The following is an entry in ClinVar:

NM_003002.4(SDHD):c.371C>T (p.Ala124Val)

Gene: SDHD (succinate dehydrogenase complex subunit D; plus strand). Cytogenetic location: 11q23.1.
Variant type: single nucleotide variant.
Coding change: c.371C>T on transcript NM_003002.4 (MANE Select); coding-DNA position 371, C replaced by T.
Protein change: p.Ala124Val; replaces alanine 124 with valine.
Molecular consequence: missense variant. On other transcripts: 3 prime UTR variant (1), non-coding transcript variant (1).
Genome position (GRCh38, 1-based): chr11:112,094,861, C>T. VCF-style: chr11-112094861-C-T. GRCh37 (hg19) VCF-style: chr11-111965585-C-T.
Other names: c.226C>T, p.Pro76Ser (NM_001276503.2); c.254C>T, p.Ala85Val (NM_001276504.2); c.*69C>T (NM_001276506.2); c.371C>T (NM_003002.2); short protein forms A85V, A124V, P76S.
Identifiers: ClinVar variation 957437 (VCV000957437.13), dbSNP rs1865811210, ClinGen allele CA382619027.

ClinVar aggregate classification (germline): Uncertain significance. Review status: criteria provided, multiple submitters, no conflicts (2 of 4 stars). 2 submissions from 2 submitters: Uncertain significance (2). Last evaluated 2025-10-07.

Conditions:
Hereditary cancer-predisposing syndrome. Also called: Tumor predisposition; Hereditary neoplastic syndrome; Neoplastic Syndromes, Hereditary; Hereditary Cancer Syndrome. Identifiers: Orphanet 140162, MedGen C0027672, MeSH D009386, MONDO:0015356.
Carney-Stratakis syndrome. Also called: PARAGANGLIOMA AND GASTROINTESTINAL STROMAL TUMOR. Identifiers: Orphanet 97286, MedGen C1847319, MONDO:0011740, OMIM 606864.
Pheochromocytoma. Also called: MAX-Related Hereditary Paraganglioma-Pheochromocytoma Syndrome. Identifiers: Orphanet 29072, MedGen C0031511, MONDO:0008233, OMIM 171300, HP:0002666.
Paragangliomas with sensorineural hearing loss. Identifiers: MedGen C1868633.
Cowden syndrome 3 (CWS3). Identifiers: Orphanet 201, MedGen CN166604, MONDO:0014045.

Allele frequency attached by ClinVar (database versions not stated): gnomAD exomes below 0.00001.
gnomAD v4.1: 1 of 1,611,908 alleles (0.000062%); highest among the groups gnomAD compares: Admixed American, 0.0017%; no homozygotes.

Submissions (2):

Labcorp Genetics (formerly Invitae), Labcorp
Classification: Uncertain significance for Carney-Stratakis syndrome; Paragangliomas with sensorineural hearing loss; Pheochromocytoma; Cowden syndrome 3. Last evaluated: 2025-10-07. Review status: criteria provided, single submitter. Criteria: Invitae Variant Classification Sherloc (09022015). Collection method: clinical testing. Allele origin: germline.
Comment: This sequence change replaces alanine, which is neutral and non-polar, with valine, which is neutral and non-polar, at codon 124 of the SDHD protein (p.Ala124Val). This variant is not present in population databases (gnomAD no frequency). This variant has not been reported in the literature in individuals affected with SDHD-related conditions. ClinVar contains an entry for this variant (Variation ID: 957437). An algorithm developed to predict the effect of missense changes on protein structure and function outputs the following: PolyPhen-2: "Benign". The valine amino acid residue is found in multiple mammalian species, which suggests that this missense change does not adversely affect protein function. In summary, the available evidence is currently insufficient to determine the role of this variant in disease. Therefore, it has been classified as a Variant of Uncertain Significance.

Ambry Genetics
Classification: Uncertain significance for Hereditary cancer-predisposing syndrome. Last evaluated: 2023-05-02. Review status: criteria provided, single submitter. Criteria: Ambry Variant Classification Scheme 2023. Collection method: clinical testing. Allele origin: germline.
Comment: The p.A124V variant (also known as c.371C>T), located in coding exon 4 of the SDHD gene, results from a C to T substitution at nucleotide position 371. The alanine at codon 124 is replaced by valine, an amino acid with similar properties. This amino acid position is conserved. In addition, the in silico prediction for this alteration is inconclusive. Since supporting evidence is limited at this time, the clinical significance of this alteration remains unclear.